The following is an entry in ClinVar:

NM_006922.4(SCN3A):c.1625A>G (p.Asp542Gly)

Gene: SCN3A (sodium voltage-gated channel alpha subunit 3; minus strand). Cytogenetic location: 2q24.3.
Variant type: single nucleotide variant.
Coding change: c.1625A>G on transcript NM_006922.4 (MANE Select); coding-DNA position 1625, A replaced by G.
Protein change: p.Asp542Gly; replaces aspartic acid 542 with glycine.
Molecular consequence: missense variant.
Genome position (GRCh38, 1-based): chr2:165,146,785, T>C on the plus strand (A>G on the coding strand, the complement: SCN3A is on the minus strand). VCF-style: chr2-165146785-T-C. GRCh37 (hg19) VCF-style: chr2-166003295-T-C.
Other names: c.1625A>G, p.Asp542Gly (NM_001081676.2, NM_001081677.2); short protein forms D542G.
Identifiers: ClinVar variation 2502596 (VCV002502596.2), dbSNP rs1688361975, ClinGen allele CA349236336.

ClinVar aggregate classification (germline): Uncertain significance. Review status: criteria provided, multiple submitters, no conflicts (2 of 4 stars). 2 submissions from 2 submitters: Uncertain significance (2). Last evaluated 2022-11-20.

Submissions (2):

Labcorp Genetics (formerly Invitae), Labcorp
Classification: Uncertain significance. Last evaluated: 2022-11-20. Review status: criteria provided, single submitter. Criteria: Invitae Variant Classification Sherloc (09022015). Collection method: clinical testing. Allele origin: germline.
Comment: In summary, the available evidence is currently insufficient to determine the role of this variant in disease. Therefore, it has been classified as a Variant of Uncertain Significance. Advanced modeling of protein sequence and biophysical properties (such as structural, functional, and spatial information, amino acid conservation, physicochemical variation, residue mobility, and thermodynamic stability) performed at Invitae indicates that this missense variant is not expected to disrupt SCN3A protein function. This variant has not been reported in the literature in individuals affected with SCN3A-related conditions. This variant is not present in population databases (gnomAD no frequency). This sequence change replaces aspartic acid, which is acidic and polar, with glycine, which is neutral and non-polar, at codon 542 of the SCN3A protein (p.Asp542Gly).

GeneDx
Classification: Uncertain significance. Last evaluated: 2022-11-16. Review status: criteria provided, single submitter. Criteria: GeneDx Variant Classification Process June 2021. Collection method: clinical testing. Allele origin: germline. Affected: yes.
Comment: Not observed at significant frequency in large population cohorts (gnomAD); In silico analysis supports that this missense variant has a deleterious effect on protein structure/function; Has not been previously published as pathogenic or benign to our knowledge